The following is an entry in ClinVar:

ClinVar aggregate classification (germline): Uncertain significance (1 of 4 stars; one submission).

Conditions:
PRX-related disorder. Also called: PRX-related condition; PRX-Related Disorders.

gnomAD v4.1: 4 of 1,603,120 alleles (0.00025%); highest among the groups gnomAD compares: South Asian, 0.0033%; no homozygotes.

Submission:

PreventionGenetics, part of Exact Sciences
Classification: Uncertain significance for PRX-related condition. Last evaluated: 2026-09-12. Review status: criteria provided, single submitter. Criteria: ACMG Guidelines, 2015. Collection method: clinical testing. Allele origin: germline.
Comment: The PRX c.3980A>G variant is predicted to result in the amino acid substitution p.Lys1327Arg. To our knowledge, this variant has not been reported in the literature. This variant is reported in 0.0035% of alleles in individuals of South Asian descent in gnomAD. At this time, the clinical significance of this variant is uncertain due to the absence of conclusive functional and genetic evidence.

NM_181882.3(PRX):c.3980A>G (p.Lys1327Arg)

Gene: PRX (periaxin; minus strand). Cytogenetic location: 19q13.2.
Variant type: single nucleotide variant.
Coding change: c.3980A>G on transcript NM_181882.3 (MANE Select); coding-DNA position 3980, A replaced by G.
Protein change: p.Lys1327Arg; replaces lysine 1327 with arginine.
Molecular consequence: missense variant. On other transcripts: 3 prime UTR variant (1).
Genome position (GRCh38, 1-based): chr19:40,394,372, T>C on the plus strand (A>G on the coding strand, the complement: PRX is on the minus strand). VCF-style: chr19-40394372-T-C. GRCh37 (hg19) VCF-style: chr19-40900279-T-C.
Other names: c.4265A>G, p.Lys1422Arg (NM_001411127.1); c.*4185A>G (NM_020956.2); short protein forms K1422R, K1327R.
Identifiers: ClinVar variation 4993487 (VCV004993487.1).